The following is an entry in ClinVar:

NM_138413.4(HOGA1):c.*445A>G

Gene: HOGA1 (4-hydroxy-2-oxoglutarate aldolase 1; plus strand). Cytogenetic location: 10q24.2.
Variant type: single nucleotide variant.
Coding change: c.*445A>G on transcript NM_138413.4 (MANE Select); 445 bases downstream of the stop codon, A replaced by G.
Molecular consequence: 3 prime UTR variant.
Genome position (GRCh38, 1-based): chr10:97,612,104, A>G. VCF-style: chr10-97612104-A-G. GRCh37 (hg19) VCF-style: chr10-99371861-A-G.
Other names: c.*445A>G (NM_001134670.2).
Identifiers: ClinVar variation 301816 (VCV000301816.6), dbSNP rs1812286, ClinGen allele CA10632986.

ClinVar aggregate classification (germline): Benign. Review status: criteria provided, multiple submitters, no conflicts (2 of 4 stars). 2 submissions from 2 submitters: Benign (2). Last evaluated 2018-01-13.

Conditions:
Primary hyperoxaluria type 3. Also called: PH III. Identifiers: Orphanet 416, Orphanet 93600, MedGen C3150878, MONDO:0013327, OMIM 613616. Disease mechanism: loss of function.

Allele frequency attached by ClinVar (database versions not stated): gnomAD exomes 0.21672; 1000 Genomes Project 0.37999; 1000 Genomes Project 30x 0.38445; gnomAD 0.39808 and 0.40584; TOPMed 0.40807.
gnomAD v4.1: 60,645 of 155,462 alleles (39%); highest among the groups gnomAD compares: African/African-American, 58%; 12,986 homozygotes.

Submissions (2):

Illumina Laboratory Services, Illumina
Classification: Benign for Primary hyperoxaluria type 3. Last evaluated: 2018-01-13. Review status: criteria provided, single submitter. Criteria: ICSL Variant Classification Criteria 13 December 2019. Collection method: clinical testing. Allele origin: germline.
Comment: This variant was observed in the ICSL laboratory as part of a predisposition screen in an ostensibly healthy population. It had not been previously curated by ICSL or reported in the Human Gene Mutation Database (HGMD: prior to June 1st, 2018), and was therefore a candidate for classification through an automated scoring system. Utilizing variant allele frequency, disease prevalence and penetrance estimates, and inheritance mode, an automated score was calculated to assess if this variant is too frequent to cause the disease. Based on the score and internal cut-off values, a variant classified as benign is not then subjected to further curation. The score for this variant resulted in a classification of benign for this disease.

Breakthrough Genomics
Classification: Benign. Review status: criteria provided, single submitter. Criteria: ACMG Guidelines, 2015. Collection method: not provided. Allele origin: germline. Inheritance: Autosomal recessive inheritance. Affected: yes.